The following is an entry in ClinVar:

ClinVar aggregate classification (germline): Uncertain significance (1 of 4 stars; one submission).

Submission:

Women's Health and Genetics/Laboratory Corporation of America, LabCorp
Classification: Uncertain significance. Last evaluated: 2023-07-27. Review status: criteria provided, single submitter. Criteria: LabCorp Variant Classification Summary - May 2015. Collection method: clinical testing. Allele origin: germline.
Comment: Variant summary: CBS c.1346T>G (p.Val449Gly) results in a non-conservative amino acid change located in the CBS domain (IPR000644) of the encoded protein sequence. Five of five in-silico tools predict a damaging effect of the variant on protein function. The variant was absent in 165690 control chromosomes. The available data on variant occurrences in the general population are insufficient to allow any conclusion about variant significance. To our knowledge, no occurrence of c.1346T>G in individuals affected with Homocystinuria has been reported. At least one publication reports experimental evidence evaluating an impact on protein function. These results showed no change in enzyme activity (Mendes_2014). The following publication have been ascertained in the context of this evaluation (PMID: 25044645). No submitters have cited clinical-significance assessments for this variant to ClinVar after 2014. Based on the evidence outlined above, the variant was classified as uncertain significance.

Literature cited by the submitters: PubMed 25044645.

NM_000071.3(CBS):c.1346T>G (p.Val449Gly)

Gene: CBS (cystathionine beta-synthase; minus strand). Cytogenetic location: 21q22.3.
Variant type: single nucleotide variant.
Coding change: c.1346T>G on transcript NM_000071.3 (MANE Select); coding-DNA position 1346, T replaced by G.
Protein change: p.Val449Gly; replaces valine 449 with glycine.
Molecular consequence: missense variant.
Genome position (GRCh38, 1-based): chr21:43,058,846, A>C on the plus strand (T>G on the coding strand, the complement: CBS is on the minus strand). VCF-style: chr21-43058846-A-C. GRCh37 (hg19) VCF-style: chr21-44478956-A-C.
Other names: c.1346T>G, p.Val449Gly (NM_001178008.3, NM_001178009.3, NM_001320298.2); c.1031T>G, p.Val344Gly (NM_001321072.1); short protein forms V344G, V449G.
Identifiers: ClinVar variation 2577369 (VCV002577369.1), dbSNP rs2517398678, ClinGen allele CA410396910.